The following is an entry in ClinVar:

ClinVar aggregate classification (germline): Uncertain significance (1 of 4 stars; one submission).

Conditions:
Arrhythmogenic right ventricular dysplasia 8 (ARVD8). Also called: Arrhythmogenic Right Ventricular Dysplasia/Cardiomyopathy 8; ARRHYTHMOGENIC RIGHT VENTRICULAR DYSPLASIA, FAMILIAL, 8; ARRHYTHMOGENIC RIGHT VENTRICULAR CARDIOMYOPATHY 8. Identifiers: MedGen C1843896, MONDO:0011831, OMIM 607450.
Arrhythmogenic cardiomyopathy with wooly hair and keratoderma. Also called: Carvajal syndrome; PALMOPLANTAR KERATODERMA WITH LEFT VENTRICULAR CARDIOMYOPATHY AND WOOLLY HAIR; Dilated cardiomyopathy with woolly hair and keratoderma; Arrhythmogenic cardiomyopathy with woolly hair and keratoderma. Identifiers: Orphanet 65282, MedGen C1854063, MONDO:0011581, OMIM 605676.

Submission:

Labcorp Genetics (formerly Invitae), Labcorp
Classification: Uncertain significance for Arrhythmogenic cardiomyopathy with wooly hair and keratoderma; Arrhythmogenic right ventricular dysplasia 8. Last evaluated: 2021-02-16. Review status: criteria provided, single submitter. Criteria: Invitae Variant Classification Sherloc (09022015). Collection method: clinical testing. Allele origin: germline.
Comment: In summary, the available evidence is currently insufficient to determine the role of this variant in disease. Therefore, it has been classified as a Variant of Uncertain Significance. Algorithms developed to predict the effect of missense changes on protein structure and function are either unavailable or do not agree on the potential impact of this missense change (SIFT: "Tolerated"; PolyPhen-2: "Possibly Damaging"; Align-GVGD: "Class C0"). This variant has not been reported in the literature in individuals with DSP-related conditions. This variant is not present in population databases (ExAC no frequency). This sequence change replaces alanine with aspartic acid at codon 1338 of the DSP protein (p.Ala1338Asp). The alanine residue is highly conserved and there is a moderate physicochemical difference between alanine and aspartic acid.

NM_004415.4(DSP):c.4013C>A (p.Ala1338Asp)

Gene: DSP (desmoplakin; plus strand). Cytogenetic location: 6p24.3.
Variant type: single nucleotide variant.
Coding change: c.4013C>A on transcript NM_004415.4 (MANE Select); coding-DNA position 4013, C replaced by A.
Protein change: p.Ala1338Asp; replaces alanine 1338 with aspartic acid.
Molecular consequence: missense variant. On other transcripts: intron variant (1).
Genome position (GRCh38, 1-based): chr6:7,580,203, C>A. VCF-style: chr6-7580203-C-A. GRCh37 (hg19) VCF-style: chr6-7580436-C-A.
Other names: c.4013C>A, p.Ala1338Asp (NM_001319034.2); c.3582+431C>A (NM_001008844.3); short protein forms A1338D.
Identifiers: ClinVar variation 1358773 (VCV001358773.8), dbSNP rs2113693177, ClinGen allele CA362685358.